The following is an entry in ClinVar:

NM_153252.5(BRWD3):c.622G>T (p.Ala208Ser)

Gene: BRWD3 (bromodomain and WD repeat domain containing 3; minus strand). Cytogenetic location: Xq21.1.
Variant type: single nucleotide variant.
Coding change: c.622G>T on transcript NM_153252.5 (MANE Select); coding-DNA position 622, G replaced by T.
Protein change: p.Ala208Ser; replaces alanine 208 with serine.
Molecular consequence: missense variant.
Genome position (GRCh38, 1-based): chrX:80,744,223, C>A on the plus strand (G>T on the coding strand, the complement: BRWD3 is on the minus strand). VCF-style: chrX-80744223-C-A. GRCh37 (hg19) VCF-style: chrX-79999722-C-A.
Other names: NC_000023.10:g.79999722C>A; short protein forms A208S.
Identifiers: ClinVar variation 3360735 (VCV003360735.2).

ClinVar aggregate classification (germline): Uncertain significance (1 of 4 stars; one submission).

Submissions (2):

GeneDx
Classification: Uncertain significance. Last evaluated: 2023-07-07. Review status: criteria provided, single submitter. Criteria: GeneDx Variant Classification Process June 2021. Collection method: clinical testing. Allele origin: germline. Affected: yes.
Comment: Not observed at significant frequency in large population cohorts (gnomAD); In silico analysis supports that this missense variant does not alter protein structure/function; In silico analysis suggests this variant may impact gene splicing. In the absence of RNA/functional studies, the actual effect of this sequence change is unknown.; Has not been previously published as pathogenic or benign to our knowledge

Dr. Peter K. Rogan Lab, Western University
No classification provided (evidence only). Condition: Thyroid cancer, nonmedullary, 1. Review status: no classification provided. Collection method: in vitro. Allele origin: not applicable. Functional consequence: retained intron. Not counted in ClinVar's aggregate classification.